The following is an entry in ClinVar:

NM_001709.5(BDNF):c.172T>C (p.Ser58Pro)

Genes: BDNF (brain derived neurotrophic factor; minus strand), BDNF-AS (BDNF antisense RNA; plus strand). Cytogenetic location: 11p14.1.
Variant type: single nucleotide variant.
Coding change: c.172T>C on transcript NM_001709.5 (MANE Select); coding-DNA position 172, T replaced by C.
Protein change: p.Ser58Pro; replaces serine 58 with proline.
Molecular consequence: missense variant. On other transcripts: non-coding transcript variant (5).
Genome position (GRCh38, 1-based): chr11:27,658,393, A>G on the plus strand (T>C on the coding strand, the complement: BDNF is on the minus strand). VCF-style: chr11-27658393-A-G. GRCh37 (hg19) VCF-style: chr11-27679940-A-G.
Other names: c.172T>C, p.Ser58Pro (NM_001143816.2, NM_170732.4, NM_170733.4 and 9 more transcripts); c.196T>C, p.Ser66Pro (NM_170731.5); c.217T>C, p.Ser73Pro (NM_170734.4); c.259T>C, p.Ser87Pro (NM_001143809.2); c.418T>C, p.Ser140Pro (NM_001143810.2); short protein forms S140P, S73P, S58P, S66P, S87P.
Identifiers: ClinVar variation 2961667 (VCV002961667.3), dbSNP rs2538964283, ClinGen allele CA380074664.

ClinVar aggregate classification (germline): Uncertain significance (1 of 4 stars; one submission).

Submission:

Labcorp Genetics (formerly Invitae), Labcorp
Classification: Uncertain significance. Last evaluated: 2023-09-10. Review status: criteria provided, single submitter. Criteria: Invitae Variant Classification Sherloc (09022015). Collection method: clinical testing. Allele origin: germline.
Comment: In summary, the available evidence is currently insufficient to determine the role of this variant in disease. Therefore, it has been classified as a Variant of Uncertain Significance. An algorithm developed to predict the effect of missense changes on protein structure and function (PolyPhen-2) suggests that this variant is likely to be tolerated. This variant has not been reported in the literature in individuals affected with BDNF-related conditions. This variant is not present in population databases (gnomAD no frequency). This sequence change replaces serine, which is neutral and polar, with proline, which is neutral and non-polar, at codon 58 of the BDNF protein (p.Ser58Pro).